The following is an entry in ClinVar:

ClinVar aggregate classification (germline): Pathogenic/Likely pathogenic. Review status: criteria provided, multiple submitters, no conflicts (2 of 4 stars). 2 submissions from 2 submitters: Pathogenic (1); Likely pathogenic (1). Last evaluated 2023-04-09.

Conditions:
Early-infantile DEE. Also called: Ohtahara syndrome; Early infantile epileptic encephalopathy; Early infantile epileptic encephalopathy with suppression bursts. Identifiers: Orphanet 1934, MedGen C0393706, MONDO:0800491.
Developmental and epileptic encephalopathy, 7 (DEE7). Also called: Early infantile epileptic encephalopathy 7; KCNQ2-Related Neonatal Epileptic Encephalopathy; KCNQ2-Related Neonatal-Onset Developmental and Epileptic Encephalopathy (NEO-DEE). Identifiers: Orphanet 439218, MedGen C3150986, MONDO:0013387, OMIM 613720.

Submissions (2):

Labcorp Genetics (formerly Invitae), Labcorp
Classification: Pathogenic for Early-infantile DEE. Last evaluated: 2023-04-09. Review status: criteria provided, single submitter. Criteria: Invitae Variant Classification Sherloc (09022015). Collection method: clinical testing. Allele origin: germline.
Comment: This variant is not present in population databases (gnomAD no frequency). This sequence change replaces proline, which is neutral and non-polar, with serine, which is neutral and polar, at codon 285 of the KCNQ2 protein (p.Pro285Ser). This missense change has been observed in individual(s) with clinical features of KCNQ2-related conditions (PMID: 30182498, 31552204). In at least one individual the variant was observed to be de novo. ClinVar contains an entry for this variant (Variation ID: 975869). Advanced modeling of protein sequence and biophysical properties (such as structural, functional, and spatial information, amino acid conservation, physicochemical variation, residue mobility, and thermodynamic stability) performed at Invitae indicates that this missense variant is expected to disrupt KCNQ2 protein function. For these reasons, this variant has been classified as Pathogenic.

Institute of Human Genetics, University of Leipzig Medical Center
Classification: Likely pathogenic for Developmental and epileptic encephalopathy, 7. Last evaluated: 2019-01-11. Review status: criteria provided, single submitter. Criteria: ACMG Guidelines, 2015. Collection method: clinical testing. Allele origin: germline. Affected: yes. Observed: 1 variant allele.

Literature cited by the submitters: PubMed 30182498 (cited by Labcorp Genetics (formerly Invitae), Labcorp); PubMed 31552204 (cited by Labcorp Genetics (formerly Invitae), Labcorp).

NM_172107.4(KCNQ2):c.853C>T (p.Pro285Ser)

Gene: KCNQ2 (potassium voltage-gated channel subfamily Q member 2; minus strand). Cytogenetic location: 20q13.33.
Variant type: single nucleotide variant.
Coding change: c.853C>T on transcript NM_172107.4 (MANE Select); coding-DNA position 853, C replaced by T.
Protein change: p.Pro285Ser; replaces proline 285 with serine.
Molecular consequence: missense variant.
Genome position (GRCh38, 1-based): chr20:63,439,672, G>A on the plus strand (C>T on the coding strand, the complement: KCNQ2 is on the minus strand). VCF-style: chr20-63439672-G-A. GRCh37 (hg19) VCF-style: chr20-62071025-G-A.
Other names: c.853C>T, p.Pro285Ser (NM_001382235.1, NM_004518.6, NM_172106.3 and 2 more transcripts); short protein forms P285S.
Identifiers: ClinVar variation 975869 (VCV000975869.10), dbSNP rs2081101244, ClinGen allele CA409652655.
Genomic context (GRCh38, chr20:63,439,672, plus strand): 5'-AGAAGGAGACACCGATGAGGGTGAAGGTTGCCGCAAGGAGCCTGCCGTTCCAGGTCTGGG[G>A]GTACTTGTCCCCGTAGCCAATGGTGGTCAGCGTGATCTGTGGGACCGCAGGCTCTAGTCA-3'
Protein context (NP_742105.1, residues 275-295): LTTIGYGDKY[Pro285Ser]QTWNGRLLAA